The following is an entry in ClinVar:

ClinVar aggregate classification (germline): Likely pathogenic (1 of 4 stars; one submission).

Submission:

Labcorp Genetics (formerly Invitae), Labcorp
Classification: Likely pathogenic. Last evaluated: 2023-04-15. Review status: criteria provided, single submitter. Criteria: Invitae Variant Classification Sherloc (09022015). Collection method: clinical testing. Allele origin: unknown.
Comment: In summary, the currently available evidence indicates that the variant is pathogenic, but additional data are needed to prove that conclusively. Therefore, this variant has been classified as Likely Pathogenic. Studies have shown that a similar copy number variant alters RIPK1 gene expression (PMID: 30026316). A similar copy number variant has been observed in individual(s) with clinical features of autosomal recessive RIPK1 deficiency (PMID: 30026316). This variant is a gross deletion of the genomic region encompassing exon(s) 4 of the RIPK1 gene. This variant would be expected to be in-frame, preserving the integrity of the reading frame.

Literature cited by the submitters: PubMed 30026316.

NC_000006.11:g.(?_3081193)_(3081370_?)del

Gene: RIPK1 (receptor interacting serine/threonine kinase 1; plus strand). Cytogenetic location: 6p25.2.
Variant type: Deletion.
Identifiers: ClinVar variation 3246170 (VCV003246170.1).